The following is an entry in ClinVar:

ClinVar aggregate classification (germline): Uncertain significance (1 of 4 stars; one submission).

Conditions:
Intellectual developmental disorder with autistic features and language delay, with or without seizures. Identifiers: MedGen C5394447, MONDO:0030051, OMIM 618906.

Submission:

OLLIN Analises Genomicas, OLLIN
Classification: Uncertain significance for Intellectual developmental disorder with autistic features and language delay, with or without seizures. Last evaluated: 2026-08-06. Review status: criteria provided, single submitter. Criteria: ACMG Guidelines 2015 PMID 25741868. Collection method: clinical testing. Allele origin: germline. Inheritance: Autosomal dominant inheritance.
Comment: This missense variant, located in exon 8 (of 28), is absent from gnomAD and ClinVar and has not been identified in the literature. In silico analysis predicts that this variant has a tolerated effect. According to the currently available evidence, this variant has been classified as uncertain significance (PM2_P, BP4_M).

NM_001394998.1(TANC2):c.859C>G (p.Pro287Ala)

Gene: TANC2 (tetratricopeptide repeat, ankyrin repeat and coiled-coil containing 2; plus strand). Cytogenetic location: 17q23.3.
Variant type: single nucleotide variant.
Coding change: c.859C>G on transcript NM_001394998.1 (MANE Select); coding-DNA position 859, C replaced by G.
Protein change: p.Pro287Ala; replaces proline 287 with alanine.
Molecular consequence: missense variant.
Genome position (GRCh38, 1-based): chr17:63,237,903, C>G. VCF-style: chr17-63237903-C-G. GRCh37 (hg19) VCF-style: chr17-61315264-C-G.
Other names: c.637C>G, p.Pro213Ala (NM_001411076.1, NM_025185.4); short protein forms P287A, P213A.
Identifiers: ClinVar variation 5003176 (VCV005003176.1).